The following is an entry in ClinVar:

ClinVar aggregate classification (germline): Uncertain significance (1 of 4 stars; one submission).

Allele frequency attached by ClinVar (database versions not stated): gnomAD 0.00001.
gnomAD v4.1: 2 of 1,614,002 alleles (0.00012%); highest among the groups gnomAD compares: Admixed American, 0.0033%; no homozygotes.

Submission:

Ambry Genetics
Classification: Uncertain significance. Last evaluated: 2024-02-22. Review status: criteria provided, single submitter. Criteria: Ambry Variant Classification Scheme 2023. Collection method: clinical testing. Allele origin: germline.
Comment: The p.A1197S variant (also known as c.3589G>T), located in coding exon 4 of the ALPK2 gene, results from a G to T substitution at nucleotide position 3589. The alanine at codon 1197 is replaced by serine, an amino acid with similar properties. This amino acid position is conserved. In addition, this alteration is predicted to be tolerated by in silico analysis. Since supporting evidence is limited at this time, the clinical significance of this alteration remains unclear.

NM_052947.4(ALPK2):c.3589G>T (p.Ala1197Ser)

Gene: ALPK2 (alpha kinase 2; minus strand). Cytogenetic location: 18q21.31.
Variant type: single nucleotide variant.
Coding change: c.3589G>T on transcript NM_052947.4 (MANE Select); coding-DNA position 3589, G replaced by T.
Protein change: p.Ala1197Ser; replaces alanine 1197 with serine.
Molecular consequence: missense variant.
Genome position (GRCh38, 1-based): chr18:58,536,598, C>A on the plus strand (G>T on the coding strand, the complement: ALPK2 is on the minus strand). VCF-style: chr18-58536598-C-A. GRCh37 (hg19) VCF-style: chr18-56203830-C-A.
Other names: short protein forms A1197S.
Identifiers: ClinVar variation 1732968 (VCV001732968.2), dbSNP rs1228477945, ClinGen allele CA402566408.